The following is an entry in ClinVar:

NM_002430.3(MN1):c.1768G>C (p.Val590Leu)

Gene: MN1 (MN1 proto-oncogene, transcriptional regulator; minus strand). Cytogenetic location: 22q12.1.
Variant type: single nucleotide variant.
Coding change: c.1768G>C on transcript NM_002430.3 (MANE Select); coding-DNA position 1768, G replaced by C.
Protein change: p.Val590Leu; replaces valine 590 with leucine.
Molecular consequence: missense variant.
Genome position (GRCh38, 1-based): chr22:27,798,776, C>G on the plus strand (G>C on the coding strand, the complement: MN1 is on the minus strand). VCF-style: chr22-27798776-C-G. GRCh37 (hg19) VCF-style: chr22-28194764-C-G.
Other names: short protein forms V590L.
Identifiers: ClinVar variation 2663716 (VCV002663716.1), dbSNP rs1026094649, ClinGen allele CA411047238.
Genomic context (GRCh38, chr22:27,798,776, plus strand): 5'-TGCTGCCGCCTTCGCGCTCAAAGTTCGGCTGGGCCAAGCCGCCCACCGGGCCGCCATGCA[C>G]CAGGCCGCCCTGGCCCACGTCCCCGGGGTGGCCTAGCTGAGCCAGGTTGGGCTGGCGCAG-3'
Protein context (NP_002421.3, residues 580-600): HPGDVGQGGL[Val590Leu]HGGPVGGLAQ

ClinVar aggregate classification (germline): Uncertain significance (1 of 4 stars; one submission).

Submission:

GeneDx
Classification: Uncertain significance. Last evaluated: 2023-05-04. Review status: criteria provided, single submitter. Criteria: GeneDx Variant Classification Process June 2021. Collection method: clinical testing. Allele origin: germline. Affected: yes.
Comment: Not observed at significant frequency in large population cohorts (gnomAD); In silico analysis supports that this missense variant does not alter protein structure/function; Has not been previously published as pathogenic or benign to our knowledge